The following is an entry in ClinVar:

ClinVar aggregate classification (germline): Uncertain significance (1 of 4 stars; one submission).

Conditions:
Long QT syndrome (LQTS). Identifiers: MedGen C0023976, MeSH D008133, MONDO:0002442. Disease mechanism: loss of function. Inheritance: Various modes of inheritance.

Submission:

Labcorp Genetics (formerly Invitae), Labcorp
Classification: Uncertain significance for Long QT syndrome. Last evaluated: 2025-05-11. Review status: criteria provided, single submitter. Criteria: Invitae Variant Classification Sherloc (09022015). Collection method: clinical testing. Allele origin: germline.
Comment: This sequence change replaces phenylalanine, which is neutral and non-polar, with leucine, which is neutral and non-polar, at codon 125 of the KCNH2 protein (p.Phe125Leu). This variant is not present in population databases (gnomAD no frequency). This variant has not been reported in the literature in individuals affected with KCNH2-related conditions. ClinVar contains an entry for this variant (Variation ID: 934591). An algorithm developed to predict the effect of missense changes on protein structure and function (PolyPhen-2) suggests that this variant is likely to be disruptive. In summary, the available evidence is currently insufficient to determine the role of this variant in disease. Therefore, it has been classified as a Variant of Uncertain Significance.

NM_000238.4(KCNH2):c.373T>C (p.Phe125Leu)

Gene: KCNH2 (potassium voltage-gated channel subfamily H member 2; minus strand). Cytogenetic location: 7q36.1.
Variant type: single nucleotide variant.
Coding change: c.373T>C on transcript NM_000238.4 (MANE Select); coding-DNA position 373, T replaced by C.
Protein change: p.Phe125Leu; replaces phenylalanine 125 with leucine.
Molecular consequence: missense variant.
Genome position (GRCh38, 1-based): chr7:150,959,671, A>G on the plus strand (T>C on the coding strand, the complement: KCNH2 is on the minus strand). VCF-style: chr7-150959671-A-G. GRCh37 (hg19) VCF-style: chr7-150656759-A-G.
Other names: c.85T>C, p.Phe29Leu (NM_001406753.1, NM_001406756.1); c.196T>C, p.Phe66Leu (NM_001406755.1); c.73T>C, p.Phe25Leu (NM_001406757.1); c.373T>C, p.Phe125Leu (NM_172056.3); short protein forms F125L, F29L, F25L, F66L.
Identifiers: ClinVar variation 934591 (VCV000934591.10), dbSNP rs1801500008, ClinGen allele CA369863795.